The following is an entry in ClinVar:

NM_004519.4(KCNQ3):c.1644G>T (p.Glu548Asp)

Gene: KCNQ3 (potassium voltage-gated channel subfamily Q member 3; minus strand). Cytogenetic location: 8q24.22.
Variant type: single nucleotide variant.
Coding change: c.1644G>T on transcript NM_004519.4 (MANE Select); coding-DNA position 1644, G replaced by T.
Protein change: p.Glu548Asp; replaces glutamic acid 548 with aspartic acid.
Molecular consequence: missense variant.
Genome position (GRCh38, 1-based): chr8:132,137,941, C>A on the plus strand (G>T on the coding strand, the complement: KCNQ3 is on the minus strand). VCF-style: chr8-132137941-C-A. GRCh37 (hg19) VCF-style: chr8-133150188-C-A.
Other names: c.1284G>T, p.Glu428Asp (NM_001204824.2); short protein forms E428D, E548D.
Identifiers: ClinVar variation 1191192 (VCV001191192.4), dbSNP rs775965122, ClinGen allele CA4880640.
Genomic context (GRCh38, chr8:132,137,941, plus strand): 5'-TCACCTCGTCTGAAGGTACTTTATCCTGGAAAGCATGTCGAGATGCCCGGCAGAATACTG[C>A]TCAATCACATCCTTCACATCGTAAGGCCTCAAAGTCTCCTTGAATTTTTTTTTATAGAGA-3'
Protein context (NP_004510.1, residues 538-558): LRPYDVKDVI[Glu548Asp]QYSAGHLDML

ClinVar aggregate classification (germline): Uncertain significance (1 of 4 stars; one submission).

Allele frequency attached by ClinVar (database versions not stated): gnomAD exomes below 0.00001; ExAC 0.00001.
gnomAD v4.1: 1 of 1,613,962 alleles (0.000062%); highest among the groups gnomAD compares: Admixed American, 0.0017%; no homozygotes.

Submission:

GeneDx
Classification: Uncertain significance. Last evaluated: 2022-05-18. Review status: criteria provided, single submitter. Criteria: GeneDx Variant Classification Process June 2021. Collection method: clinical testing. Allele origin: germline. Affected: yes.
Comment: Not observed at a significant frequency in large population cohorts (gnomAD); In silico analysis supports that this missense variant has a deleterious effect on protein structure/function; Has not been previously published as pathogenic or benign to our knowledge